The following is an entry in ClinVar:

NM_000245.4(MET):c.3516G>C (p.Glu1172Asp)

Gene: MET (MET proto-oncogene, receptor tyrosine kinase; plus strand). Cytogenetic location: 7q31.2.
Variant type: single nucleotide variant.
Coding change: c.3516G>C on transcript NM_000245.4 (MANE Select); coding-DNA position 3516, G replaced by C.
Protein change: p.Glu1172Asp; replaces glutamic acid 1172 with aspartic acid.
Molecular consequence: missense variant.
Genome position (GRCh38, 1-based): chr7:116,778,951, G>C. VCF-style: chr7-116778951-G-C. GRCh37 (hg19) VCF-style: chr7-116419005-G-C.
Other names: c.3570G>C, p.Glu1190Asp (NM_001127500.3); c.2226G>C, p.Glu742Asp (NM_001324402.2); short protein forms E1172D, E1190D, E742D.
Identifiers: ClinVar variation 4648062 (VCV004648062.1).

ClinVar aggregate classification (germline): Uncertain significance (1 of 4 stars; one submission).

Conditions:
Hereditary cancer-predisposing syndrome. Also called: Neoplastic Syndromes, Hereditary; Tumor predisposition; Hereditary Cancer Syndrome; Hereditary neoplastic syndrome. Identifiers: Orphanet 140162, MedGen C0027672, MeSH D009386, MONDO:0015356.

gnomAD v4.1: 1 of 1,613,714 alleles (0.000062%); highest among the groups gnomAD compares: Non-Finnish European, 0.000085%; no homozygotes.

Submission:

Ambry Genetics
Classification: Uncertain significance for Hereditary cancer-predisposing syndrome. Last evaluated: 2025-11-08. Review status: criteria provided, single submitter. Criteria: Ambry Variant Classification Scheme 2023. Collection method: clinical testing. Allele origin: germline.
Comment: The p.E1190D variant (also known as c.3570G>C), located in coding exon 16 of the MET gene, results from a G to C substitution at nucleotide position 3570. The glutamic acid at codon 1190 is replaced by aspartic acid, an amino acid with highly similar properties. This amino acid position is conserved. In addition, the in silico prediction for this alteration is inconclusive. Based on the available evidence, the clinical significance of this variant remains unclear.